The following is an entry in ClinVar:

ClinVar aggregate classification (germline): Benign/Likely benign. Review status: criteria provided, multiple submitters, no conflicts (2 of 4 stars). 4 submissions from 4 submitters: Benign (1); Likely benign (2). 1 of the submissions does not count toward it. Last evaluated 2026-09-01.

Conditions:
TOP2B-related disorder. Also called: TOP2B-related condition.

Allele frequency attached by ClinVar (database versions not stated): gnomAD exomes 0.00003 and 0.00011; ExAC 0.00012; gnomAD 0.00032 and 0.00036; TOPMed 0.00045; ESP Exome Variant Server 0.00051; 1000 Genomes Project 0.00060; 1000 Genomes Project 30x 0.00094.
gnomAD v4.1: 102 of 1,604,082 alleles (0.0064%); highest among the groups gnomAD compares: African/African-American, 0.086%; no homozygotes.

Submissions (4):

CeGaT Center for Human Genetics Tuebingen
Classification: Likely benign. Last evaluated: 2026-09-01. Review status: criteria provided, single submitter. Criteria: CeGaT Center For Human Genetics Tuebingen Variant Classification Criteria Version 2. Collection method: clinical testing. Allele origin: germline. Affected: yes. Observed: 1 variant allele.
Comment: TOP2B: BP4, BP7

Labcorp Genetics (formerly Invitae), Labcorp
Classification: Benign. Last evaluated: 2025-12-03. Review status: criteria provided, single submitter. Criteria: Invitae Variant Classification Sherloc (09022015). Collection method: clinical testing. Allele origin: germline.

Blueprint Genetics
Classification: Likely benign. Last evaluated: 2022-08-09. Review status: criteria provided, single submitter. Criteria: ACMG Guidelines, 2015. Collection method: clinical testing. Allele origin: germline.

PreventionGenetics, part of Exact Sciences
Classification: Likely benign for TOP2B-related condition. Last evaluated: 2023-12-12. Review status: no assertion criteria provided. Collection method: clinical testing. Allele origin: germline. Not counted in ClinVar's aggregate classification.
Comment: This variant is classified as likely benign based on ACMG/AMP sequence variant interpretation guidelines (Richards et al. 2015 PMID: 25741868, with internal and published modifications).

NM_001330700.2(TOP2B):c.1731C>T (p.Phe577=)

Gene: TOP2B (DNA topoisomerase II beta; minus strand). Cytogenetic location: 3p24.2.
Variant type: single nucleotide variant.
Coding change: c.1731C>T on transcript NM_001330700.2 (MANE Select); coding-DNA position 1731, C replaced by T.
Protein change: p.Phe577=; no amino-acid change (phenylalanine 577 retained).
Molecular consequence: synonymous variant.
Genome position (GRCh38, 1-based): chr3:25,629,104, G>A on the plus strand (C>T on the coding strand, the complement: TOP2B is on the minus strand). VCF-style: chr3-25629104-G-A. GRCh37 (hg19) VCF-style: chr3-25670595-G-A.
Other names: c.1716C>T, p.Phe572= (NM_001068.3); c.1731C>T (NM_001330700.1).
Identifiers: ClinVar variation 1623011 (VCV001623011.12), dbSNP rs370638500, ClinGen allele CA2288636.